The following is an entry in ClinVar:

ClinVar aggregate classification (germline): Uncertain significance (1 of 4 stars; one submission).

Conditions:
Charcot-Marie-Tooth disease type 2. Also called: Charcot-Marie-Tooth type 2. Identifiers: Orphanet 64746, MedGen C0270914, MONDO:0018993.

Submission:

Labcorp Genetics (formerly Invitae), Labcorp
Classification: Uncertain significance for Charcot-Marie-Tooth disease type 2. Last evaluated: 2021-07-14. Review status: criteria provided, single submitter. Criteria: Invitae Variant Classification Sherloc (09022015). Collection method: clinical testing. Allele origin: germline.
Comment: Advanced modeling of protein sequence and biophysical properties (such as structural, functional, and spatial information, amino acid conservation, physicochemical variation, residue mobility, and thermodynamic stability) performed at Invitae indicates that this missense variant is not expected to disrupt MFN2 protein function. In summary, the available evidence is currently insufficient to determine the role of this variant in disease. Therefore, it has been classified as a Variant of Uncertain Significance. This variant has not been reported in the literature in individuals affected with MFN2-related conditions. This sequence change replaces arginine with leucine at codon 418 of the MFN2 protein (p.Arg418Leu). The arginine residue is weakly conserved and there is a moderate physicochemical difference between arginine and leucine. This variant is not present in population databases (ExAC no frequency).

NM_014874.4(MFN2):c.1253G>T (p.Arg418Leu)

Gene: MFN2 (mitofusin 2; plus strand). Cytogenetic location: 1p36.22.
Variant type: single nucleotide variant.
Coding change: c.1253G>T on transcript NM_014874.4 (MANE Select); coding-DNA position 1253, G replaced by T.
Protein change: p.Arg418Leu; replaces arginine 418 with leucine.
Molecular consequence: missense variant.
Genome position (GRCh38, 1-based): chr1:12,004,084, G>T. VCF-style: chr1-12004084-G-T. GRCh37 (hg19) VCF-style: chr1-12064141-G-T.
Other names: c.1253G>T, p.Arg418Leu (NM_001127660.2); short protein forms R418L.
Identifiers: ClinVar variation 1405545 (VCV001405545.8), dbSNP rs766998571, ClinGen allele CA338445305.